The following is an entry in ClinVar:

NM_001264.5(CDSN):c.605T>C (p.Phe202Ser)

Genes: CDSN (corneodesmosin; minus strand), PSORS1C1 (psoriasis susceptibility 1 candidate 1; plus strand). Cytogenetic location: 6p21.33.
Variant type: single nucleotide variant.
Coding change: c.605T>C on transcript NM_001264.5 (MANE Select); coding-DNA position 605, T replaced by C.
Protein change: p.Phe202Ser; replaces phenylalanine 202 with serine.
Molecular consequence: missense variant. On other transcripts: intron variant (1).
Genome position (GRCh38, 1-based): chr6:31,117,010, A>G on the plus strand (T>C on the coding strand, the complement: CDSN is on the minus strand). VCF-style: chr6-31117010-A-G. GRCh37 (hg19) VCF-style: chr6-31084787-A-G.
Other names: c.-229+2119A>G (NM_014068.3); short protein forms F202S.
Identifiers: ClinVar variation 1231588 (VCV001231588.11), dbSNP rs707913, ClinGen allele CA3708461.

ClinVar aggregate classification (germline): Benign. Review status: criteria provided, multiple submitters, no conflicts (2 of 4 stars). 2 submissions from 2 submitters: Benign (2). Last evaluated 2026-02-02.

Allele frequency attached by ClinVar (database versions not stated): 1000 Genomes Project 0.28095; gnomAD exomes 0.21226 and 0.23272; ESP Exome Variant Server 0.26557; ExAC 0.23129; gnomAD 0.27085 and 0.27661; 1000 Genomes Project 30x 0.28670; TOPMed 0.28742.
gnomAD v4.1: 351,147 of 1,613,866 alleles (22%); highest among the groups gnomAD compares: African/African-American, 38%; 41,221 homozygotes.

Submissions (2):

Labcorp Genetics (formerly Invitae), Labcorp
Classification: Benign. Last evaluated: 2026-02-02. Review status: criteria provided, single submitter. Criteria: Invitae Variant Classification Sherloc (09022015). Collection method: clinical testing. Allele origin: germline.

GeneDx
Classification: Benign. Last evaluated: 2021-05-04. Review status: criteria provided, single submitter. Criteria: GeneDx Variant Classification Process June 2021. Collection method: clinical testing. Allele origin: germline. Affected: yes.
Comment: This variant is associated with the following publications: (PMID: 21307873)